The following is an entry in ClinVar:

ClinVar aggregate classification (germline): Uncertain significance (1 of 4 stars; one submission).

Conditions:
Early Myoclonic Encephalopathy. Identifiers: MedGen C0270855.

Allele frequency attached by ClinVar (database versions not stated): gnomAD exomes below 0.00001.
gnomAD v4.1: 2 of 1,613,196 alleles (0.00012%); highest among the groups gnomAD compares: Admixed American, 0.0033%; no homozygotes.

Submission:

Labcorp Genetics (formerly Invitae), Labcorp
Classification: Uncertain significance for Early Myoclonic Encephalopathy. Last evaluated: 2022-08-22. Review status: criteria provided, single submitter. Criteria: Invitae Variant Classification Sherloc (09022015). Collection method: clinical testing. Allele origin: germline.
Comment: This variant has not been reported in the literature in individuals affected with JMJD1C-related conditions. This variant is not present in population databases (gnomAD no frequency). This sequence change replaces glycine, which is neutral and non-polar, with valine, which is neutral and non-polar, at codon 1161 of the JMJD1C protein (p.Gly1161Val). In summary, the available evidence is currently insufficient to determine the role of this variant in disease. Therefore, it has been classified as a Variant of Uncertain Significance. Algorithms developed to predict the effect of missense changes on protein structure and function are either unavailable or do not agree on the potential impact of this missense change (SIFT: "Deleterious"; PolyPhen-2: "Benign"; Align-GVGD: "Class C0").

NM_032776.3(JMJD1C):c.3482G>T (p.Gly1161Val)

Gene: JMJD1C (jumonji domain containing 1C; minus strand). Cytogenetic location: 10q21.3.
Variant type: single nucleotide variant.
Coding change: c.3482G>T on transcript NM_032776.3 (MANE Select); coding-DNA position 3482, G replaced by T.
Protein change: p.Gly1161Val; replaces glycine 1161 with valine.
Molecular consequence: missense variant. On other transcripts: non-coding transcript variant (1).
Genome position (GRCh38, 1-based): chr10:63,208,187, C>A on the plus strand (G>T on the coding strand, the complement: JMJD1C is on the minus strand). VCF-style: chr10-63208187-C-A. GRCh37 (hg19) VCF-style: chr10-64967947-C-A.
Other names: c.2936G>T, p.Gly979Val (NM_001282948.2, NM_001318154.2); c.2618G>T, p.Gly873Val (NM_001318153.2); c.3368G>T, p.Gly1123Val (NM_001322252.2); c.2825G>T, p.Gly942Val (NM_001322254.2, NM_001322258.2); short protein forms G1161V, G1123V, G873V, G942V, G979V.
Identifiers: ClinVar variation 1968099 (VCV001968099.5), dbSNP rs2492690194, ClinGen allele CA377041597.